The following is an entry in ClinVar:

ClinVar aggregate classification (germline): Likely benign (1 of 4 stars; one submission).

gnomAD v4.1: 26 of 1,614,146 alleles (0.0016%); highest among the groups gnomAD compares: South Asian, 0.0066%; no homozygotes.

Submission:

CeGaT Center for Human Genetics Tuebingen
Classification: Likely benign. Last evaluated: 2025-10-01. Review status: criteria provided, single submitter. Criteria: CeGaT Center For Human Genetics Tuebingen Variant Classification Criteria Version 2. Collection method: clinical testing. Allele origin: germline. Affected: yes. Observed: 1 variant allele.
Comment: DPYSL5: BP4, BP7

NM_020134.4(DPYSL5):c.384C>T (p.Tyr128=)

Gene: DPYSL5 (dihydropyrimidinase like 5; plus strand). Cytogenetic location: 2p23.3.
Variant type: single nucleotide variant.
Coding change: c.384C>T on transcript NM_020134.4 (MANE Select); coding-DNA position 384, C replaced by T.
Protein change: p.Tyr128=; no amino-acid change (tyrosine 128 retained).
Molecular consequence: synonymous variant.
Genome position (GRCh38, 1-based): chr2:26,925,009, C>T. VCF-style: chr2-26925009-C-T. GRCh37 (hg19) VCF-style: chr2-27147877-C-T.
Other names: c.384C>T, p.Tyr128= (NM_001253723.2, NM_001253724.2).
Identifiers: ClinVar variation 4533666 (VCV004533666.6).